The following is an entry in ClinVar:

ClinVar aggregate classification (germline): Uncertain significance. Review status: criteria provided, multiple submitters, no conflicts (2 of 4 stars). 2 submissions from 2 submitters: Uncertain significance (2). Last evaluated 2023-01-19.

Conditions:
Cardiovascular phenotype. Identifiers: MedGen CN230736.
RASopathy. Also called: rasopathies; Noonan spectrum disorder. Identifiers: Orphanet 536391, MedGen C5555857, MONDO:0021060.

Submissions (2):

Ambry Genetics
Classification: Uncertain significance for Cardiovascular phenotype. Last evaluated: 2023-01-19. Review status: criteria provided, single submitter. Criteria: Ambry Variant Classification Scheme 2023. Collection method: clinical testing. Allele origin: germline.
Comment: The p.P545A variant (also known as c.1633C>G), located in coding exon 11 of the CBL gene, results from a C to G substitution at nucleotide position 1633. The proline at codon 545 is replaced by alanine, an amino acid with highly similar properties. This amino acid position is conserved. In addition, the in silico prediction for this alteration is inconclusive. Since supporting evidence is limited at this time, the clinical significance of this alteration remains unclear.

Labcorp Genetics (formerly Invitae), Labcorp
Classification: Uncertain significance for RASopathy. Last evaluated: 2022-05-14. Review status: criteria provided, single submitter. Criteria: Invitae Variant Classification Sherloc (09022015). Collection method: clinical testing. Allele origin: germline.
Comment: This variant has not been reported in the literature in individuals affected with CBL-related conditions. In summary, the available evidence is currently insufficient to determine the role of this variant in disease. Therefore, it has been classified as a Variant of Uncertain Significance. Advanced modeling of protein sequence and biophysical properties (such as structural, functional, and spatial information, amino acid conservation, physicochemical variation, residue mobility, and thermodynamic stability) performed at Invitae indicates that this missense variant is not expected to disrupt CBL protein function. This variant is not present in population databases (gnomAD no frequency). This sequence change replaces proline, which is neutral and non-polar, with alanine, which is neutral and non-polar, at codon 545 of the CBL protein (p.Pro545Ala).

NM_005188.4(CBL):c.1633C>G (p.Pro545Ala)

Gene: CBL (Cbl proto-oncogene; plus strand). Cytogenetic location: 11q23.3.
Variant type: single nucleotide variant.
Coding change: c.1633C>G on transcript NM_005188.4 (MANE Select); coding-DNA position 1633, C replaced by G.
Protein change: p.Pro545Ala; replaces proline 545 with alanine.
Molecular consequence: missense variant.
Genome position (GRCh38, 1-based): chr11:119,285,258, C>G. VCF-style: chr11-119285258-C-G. GRCh37 (hg19) VCF-style: chr11-119155968-C-G.
Other names: c.1633C>G (NM_005188.2); short protein forms P545A.
Identifiers: ClinVar variation 1994285 (VCV001994285.6), dbSNP rs766442277, ClinGen allele CA382919349.